The following is an entry in ClinVar:

ClinVar aggregate classification (germline): Likely pathogenic (1 of 4 stars; one submission).

Conditions:
Alstrom syndrome (ALMS). Identifiers: Orphanet 64, MedGen C0268425, MONDO:0008763, OMIM 203800.

Submission:

Myriad Genetics, Inc.
Classification: Likely pathogenic for Alstrom syndrome. Last evaluated: 2022-02-20. Review status: criteria provided, single submitter. Criteria: Myriad Women's Health Autosomal Recessive and X-Linked Classification Criteria (2021). Collection method: clinical testing. Allele origin: unknown.
Comment: NM_015120.4(ALMS1):c.5656A>T(K1886*) is expected to be pathogenic in the context of Alstrom syndrome. This variant is predicted to lead to an abnormal or absent protein product due to the creation of a premature termination codon in ALMS1, a gene where loss-of-function variants are known to be pathogenic. Please note: this variant was assessed in the context of healthy population screening.

NM_001378454.1(ALMS1):c.5653A>T (p.Lys1885Ter)

Gene: ALMS1 (ALMS1 centrosome and basal body associated protein; plus strand). Cytogenetic location: 2p13.1.
Variant type: single nucleotide variant.
Coding change: c.5653A>T on transcript NM_001378454.1 (MANE Select); coding-DNA position 5653, A replaced by T.
Protein change: p.Lys1885Ter; replaces lysine 1885 with a stop codon.
Molecular consequence: nonsense.
Genome position (GRCh38, 1-based): chr2:73,452,180, A>T. VCF-style: chr2-73452180-A-T. GRCh37 (hg19) VCF-style: chr2-73679307-A-T.
Other names: c.5656A>T, p.Lys1886Ter (NM_015120.4); short protein forms K1885*, K1886*.
Identifiers: ClinVar variation 1724580 (VCV001724580.2), dbSNP rs2466106080, ClinGen allele CA347282859.